The following is an entry in ClinVar:

ClinVar aggregate classification (germline): Uncertain significance. Review status: criteria provided, multiple submitters, no conflicts (2 of 4 stars). 2 submissions from 2 submitters: Uncertain significance (2). Last evaluated 2025-08-14.

Conditions:
Inborn genetic diseases. Identifiers: MedGen C0950123, MeSH D030342.

Allele frequency attached by ClinVar (database versions not stated): gnomAD exomes 0.00001.
gnomAD v4.1: 10 of 1,614,200 alleles (0.00062%); highest among the groups gnomAD compares: Non-Finnish European, 0.00085%; no homozygotes.

Submissions (2):

Ambry Genetics
Classification: Uncertain significance for Inborn genetic diseases. Last evaluated: 2025-08-14. Review status: criteria provided, single submitter. Criteria: Ambry Variant Classification Scheme 2023. Collection method: clinical testing. Allele origin: germline.

Labcorp Genetics (formerly Invitae), Labcorp
Classification: Uncertain significance. Last evaluated: 2025-06-02. Review status: criteria provided, single submitter. Criteria: Invitae Variant Classification Sherloc (09022015). Collection method: clinical testing. Allele origin: germline.
Comment: This sequence change replaces serine, which is neutral and polar, with glycine, which is neutral and non-polar, at codon 228 of the PCDH12 protein (p.Ser228Gly). This variant is not present in population databases (gnomAD no frequency). This variant has not been reported in the literature in individuals affected with PCDH12-related conditions. ClinVar contains an entry for this variant (Variation ID: 1353188). Invitae Evidence Modeling of protein sequence and biophysical properties (such as structural, functional, and spatial information, amino acid conservation, physicochemical variation, residue mobility, and thermodynamic stability) indicates that this missense variant is not expected to disrupt PCDH12 protein function with a negative predictive value of 95%. In summary, the available evidence is currently insufficient to determine the role of this variant in disease. Therefore, it has been classified as a Variant of Uncertain Significance.

NM_016580.4(PCDH12):c.682A>G (p.Ser228Gly)

Genes: PCDH12 (protocadherin 12; minus strand), RNF14 (ring finger protein 14; plus strand). Cytogenetic location: 5q31.3.
Variant type: single nucleotide variant.
Coding change: c.682A>G on transcript NM_016580.4 (MANE Select); coding-DNA position 682, A replaced by G.
Protein change: p.Ser228Gly; replaces serine 228 with glycine.
Molecular consequence: missense variant.
Genome position (GRCh38, 1-based): chr5:141,957,170, T>C on the plus strand (A>G on the coding strand, the complement: PCDH12 is on the minus strand). VCF-style: chr5-141957170-T-C. GRCh37 (hg19) VCF-style: chr5-141336735-T-C.
Other names: c.682A>G (NM_016580.2); short protein forms S228G.
Identifiers: ClinVar variation 1353188 (VCV001353188.7), dbSNP rs775204819, ClinGen allele CA128480990.